The following is an entry in ClinVar:

ClinVar aggregate classification (germline): Conflicting classifications of pathogenicity. Review status: criteria provided, conflicting classifications (1 of 4 stars). 3 submissions from 3 submitters: Uncertain significance (1); Likely benign (2). Last evaluated 2025-04-28.

Conditions:
Inborn genetic diseases. Identifiers: MedGen C0950123, MeSH D030342.

Allele frequency attached by ClinVar (database versions not stated): ExAC 0.00002; TOPMed 0.00002; gnomAD 0.00003.

Submissions (3):

Ambry Genetics
Classification: Likely benign for Inborn genetic diseases. Last evaluated: 2025-04-28. Review status: criteria provided, single submitter. Criteria: Ambry Variant Classification Scheme 2023. Collection method: clinical testing. Allele origin: germline.

Blueprint Genetics
Classification: Likely benign. Last evaluated: 2024-05-27. Review status: criteria provided, single submitter. Criteria: ACMG Guidelines, 2015. Collection method: clinical testing. Allele origin: germline.

Labcorp Genetics (formerly Invitae), Labcorp
Classification: Uncertain significance. Last evaluated: 2023-10-06. Review status: criteria provided, single submitter. Criteria: Invitae Variant Classification Sherloc (09022015). Collection method: clinical testing. Allele origin: germline.
Comment: This sequence change replaces phenylalanine, which is neutral and non-polar, with leucine, which is neutral and non-polar, at codon 1102 of the NLRP1 protein (p.Phe1102Leu). This variant is present in population databases (rs769475535, gnomAD 0.006%). This variant has not been reported in the literature in individuals affected with NLRP1-related conditions. Algorithms developed to predict the effect of missense changes on protein structure and function output the following: SIFT: "Not Available"; PolyPhen-2: "Benign"; Align-GVGD: "Not Available". The leucine amino acid residue is found in multiple mammalian species, which suggests that this missense change does not adversely affect protein function. In summary, the available evidence is currently insufficient to determine the role of this variant in disease. Therefore, it has been classified as a Variant of Uncertain Significance.

NM_033004.4(NLRP1):c.3306C>G (p.Phe1102Leu)

Gene: NLRP1 (NLR family pyrin domain containing 1; minus strand). Cytogenetic location: 17p13.2.
Variant type: single nucleotide variant.
Coding change: c.3306C>G on transcript NM_033004.4 (MANE Select); coding-DNA position 3306, C replaced by G.
Protein change: p.Phe1102Leu; replaces phenylalanine 1102 with leucine.
Molecular consequence: missense variant.
Genome position (GRCh38, 1-based): chr17:5,530,695, G>C on the plus strand (C>G on the coding strand, the complement: NLRP1 is on the minus strand). VCF-style: chr17-5530695-G-C. GRCh37 (hg19) VCF-style: chr17-5434015-G-C.
Other names: c.3318C>G, p.Phe1106Leu (NM_001033053.3); c.3306C>G, p.Phe1102Leu (NM_014922.5); c.3216C>G, p.Phe1072Leu (NM_033006.4, NM_033007.4); c.3306C>G (NM_033004.3); short protein forms F1102L, F1072L, F1106L.
Identifiers: ClinVar variation 2995628 (VCV002995628.5), dbSNP rs769475535, ClinGen allele CA8326857.